The following is an entry in ClinVar:

ClinVar aggregate classification (germline): Pathogenic. Review status: criteria provided, single submitter (1 of 4 stars). 2 submissions from 1 submitter: Pathogenic (1). 1 of the submissions does not count toward it. Last evaluated 2018-11-14.

Conditions:
Neurodevelopmental abnormality. Identifiers: MedGen C4022737, HP:0012759.

Submissions (2):

GeneDx
Classification: Pathogenic for Neurodevelopmental abnormality. Last evaluated: 2018-11-14. Review status: criteria provided, single submitter. Criteria: GeneDx Variant Classification (06012015). Collection method: clinical testing. Allele origin: de novo. Affected: yes.

GeneDx
Classification: Pathogenic. Last evaluated: 2018-11-14. Review status: flagged submission. Criteria: GeneDx Variant Classification (06012015). Collection method: clinical testing. Allele origin: germline. Affected: yes. Not counted in ClinVar's aggregate classification.
Comment: The c.1707delC variant in the TCF20 gene has been observed in internal GeneDx whole exome sequencing data in association with developmental delay, autism spectrum disorder, attention deficit hyperactivity disorder, and seizures. The c.1707delC variant causes a frameshift starting with codon Arginine 70, changes this amino acid to an Asparagine residue, and creates a premature Stop codon at position 37 of the new reading frame, denoted p.Arg70AspfsX37. This variant is predicted to cause loss of normal protein function either through protein truncation or nonsense-mediated mRNA decay. The c.1707delC variant is not observed in large population cohorts (Lek et al., 2016). Therefore, we interpret c.1707delC as a pathogenic variant.
ClinVar note: Reason: This record appears to be redundant with a more recent record from the same submitter.
ClinVar note: Notes: SCV000710628 appears to be redundant with SCV000854582.

NM_001378418.1(TCF20):c.1707del (p.Arg570fs)

Gene: TCF20 (transcription factor 20; minus strand). Cytogenetic location: 22q13.2.
Variant type: Deletion.
Coding change: c.1707del on transcript NM_001378418.1 (MANE Select); coding-DNA position 1707, one base deleted (C; older notation c.1707delC).
Protein change: p.Arg570fs; shifts the reading frame from arginine 570.
Molecular consequence: frameshift variant.
Genome position (GRCh38, 1-based): chr22:42,213,599, G deleted on the plus strand (C on the coding strand, the reverse complement: TCF20 is on the minus strand); the first of 6 consecutive G bases (chr22:42,213,599-42,213,604); deleting any one gives the same sequence. VCF-style (leftmost placement, unchanged base first): chr22-42213598-TG-T. GRCh37 (hg19) VCF-style: chr22-42609604-TG-T.
Other names: c.1707del, p.Arg570fs (NM_005650.4, NM_181492.3); short protein forms R570fs.
Identifiers: ClinVar variation 504312 (VCV000504312.5), dbSNP rs1555926655, ClinGen allele CA514803154.